The following is an entry in ClinVar:

ClinVar aggregate classification (germline): Uncertain significance (1 of 4 stars; one submission).

Submission:

Labcorp Genetics (formerly Invitae), Labcorp
Classification: Uncertain significance. Last evaluated: 2025-11-28. Review status: criteria provided, single submitter. Criteria: Invitae Variant Classification Sherloc (09022015). Collection method: clinical testing. Allele origin: germline.
Comment: This sequence change replaces alanine, which is neutral and non-polar, with threonine, which is neutral and polar, at codon 368 of the UGT1A1 protein (p.Ala368Thr). This variant is not present in population databases (gnomAD no frequency). This missense change has been observed in individual(s) with Crigler-Najjar syndrome (PMID: 7989045). Invitae Evidence Modeling of protein sequence and biophysical properties (such as structural, functional, and spatial information, amino acid conservation, physicochemical variation, residue mobility, and thermodynamic stability) indicates that this missense variant is expected to disrupt UGT1A1 protein function with a positive predictive value of 80%. In summary, the available evidence is currently insufficient to determine the role of this variant in disease. Therefore, it has been classified as a Variant of Uncertain Significance.

Literature cited by the submitters: PubMed 7989045.

NM_000463.3(UGT1A1):c.1102G>A (p.Ala368Thr)

Genes: UGT1A (UDP glucuronosyltransferase family 1 member A complex locus; plus strand), UGT1A1 (UDP glucuronosyltransferase family 1 member A1; plus strand), UGT1A10 (UDP glucuronosyltransferase family 1 member A10; plus strand), UGT1A3 (UDP glucuronosyltransferase family 1 member A3; plus strand), UGT1A4 (UDP glucuronosyltransferase family 1 member A4; plus strand) and 5 more. Cytogenetic location: 2q37.1.
Variant type: single nucleotide variant.
Coding change: c.1102G>A on transcript NM_000463.3 (MANE Select); coding-DNA position 1102, G replaced by A.
Protein change: p.Ala368Thr; replaces alanine 368 with threonine.
Molecular consequence: missense variant.
Genome position (GRCh38, 1-based): chr2:233,768,237, G>A. VCF-style: chr2-233768237-G-A. GRCh37 (hg19) VCF-style: chr2-234676883-G-A.
Other names: c.1093G>A, p.Ala365Thr (NM_019075.4, NM_019076.5, NM_019077.3 and 1 more transcripts); c.1099G>A, p.Ala367Thr (NM_001072.4); c.298G>A, p.Ala100Thr (NM_205862.3); c.1105G>A, p.Ala369Thr (NM_019078.2, NM_007120.3, NM_019093.4); short protein forms A367T, A368T, A100T, A365T, A369T.
Identifiers: ClinVar variation 4747150 (VCV004747150.1).